The following is an entry in ClinVar:

ClinVar aggregate classification (germline): Benign (1 of 4 stars; one submission).

Allele frequency attached by ClinVar (database versions not stated): gnomAD 0.04985 and 0.05043; TOPMed 0.05582; 1000 Genomes Project 0.09345; 1000 Genomes Project 30x 0.09744.
gnomAD v4.1: 7,606 of 151,978 alleles (5%); highest among the groups gnomAD compares: African/African-American, 14%; 451 homozygotes.

Submission:

GeneDx
Classification: Benign. Last evaluated: 2018-06-19. Review status: criteria provided, single submitter. Criteria: GeneDx Variant Classification (06012015). Collection method: clinical testing. Allele origin: germline. Affected: yes.
Comment: This variant is considered likely benign or benign based on one or more of the following criteria: it is a conservative change, it occurs at a poorly conserved position in the protein, it is predicted to be benign by multiple in silico algorithms, and/or has population frequency not consistent with disease.

NM_016373.4(WWOX):c.606-183G>A

Gene: WWOX (WW domain containing oxidoreductase; plus strand). Cytogenetic location: 16q23.1.
Variant type: single nucleotide variant.
Coding change: c.606-183G>A on transcript NM_016373.4 (MANE Select); 183 bases into the intron before coding-DNA position 606, G replaced by A.
Molecular consequence: intron variant.
Genome position (GRCh38, 1-based): chr16:78,424,687, G>A. VCF-style: chr16-78424687-G-A. GRCh37 (hg19) VCF-style: chr16-78458584-G-A.
Other names: c.267-183G>A (NM_001291997.2).
Identifiers: ClinVar variation 674002 (VCV000674002.1), dbSNP rs67266598, ClinGen allele CA284539755.